The following is an entry in ClinVar:

NM_013275.6(ANKRD11):c.3162A>G (p.Lys1054=)

Gene: ANKRD11 (ankyrin repeat domain 11; minus strand). Cytogenetic location: 16q24.3.
Variant type: single nucleotide variant.
Coding change: c.3162A>G on transcript NM_013275.6 (MANE Select); coding-DNA position 3162, A replaced by G.
Protein change: p.Lys1054=; no amino-acid change (lysine 1054 retained).
Molecular consequence: synonymous variant.
Genome position (GRCh38, 1-based): chr16:89,283,380, T>C on the plus strand (A>G on the coding strand, the complement: ANKRD11 is on the minus strand). VCF-style: chr16-89283380-T-C. GRCh37 (hg19) VCF-style: chr16-89349788-T-C.
Other names: c.3162A>G, p.Lys1054= (NM_001256182.2, NM_001256183.2).
Identifiers: ClinVar variation 377486 (VCV000377486.19), dbSNP rs61729371, ClinGen allele CA8242416.

ClinVar aggregate classification (germline): Benign. Review status: criteria provided, multiple submitters, no conflicts (2 of 4 stars). 7 submissions from 7 submitters: Benign (7). Last evaluated 2026-05-11.

Conditions:
Inborn genetic diseases. Identifiers: MedGen C0950123, MeSH D030342.
KBG syndrome (KBGS). Also called: ANKRD11-Related KBG Syndrome. Identifiers: Orphanet 2332, MedGen C0220687, MONDO:0007846, OMIM 148050.

Allele frequency attached by ClinVar (database versions not stated): 1000 Genomes Project 0.02376; 1000 Genomes Project 30x 0.02467; gnomAD exomes 0.00494 and 0.00193; ExAC 0.00639; gnomAD 0.01926 and 0.02062; TOPMed 0.02236; ESP Exome Variant Server 0.02247.
gnomAD v4.1: 5,871 of 1,613,936 alleles (0.36%); highest among the groups gnomAD compares: African/African-American, 7%; 173 homozygotes.

Submissions (7):

Women's Health and Genetics/Laboratory Corporation of America, LabCorp
Classification: Benign. Last evaluated: 2026-05-11. Review status: criteria provided, single submitter. Criteria: LabCorp Variant Classification Summary - May 2015. Collection method: clinical testing. Allele origin: germline.

Labcorp Genetics (formerly Invitae), Labcorp
Classification: Benign for KBG syndrome. Last evaluated: 2026-02-03. Review status: criteria provided, single submitter. Criteria: Invitae Variant Classification Sherloc (09022015). Collection method: clinical testing. Allele origin: germline.

Genome-Nilou Lab
Classification: Benign for KBG syndrome. Last evaluated: 2021-12-05. Review status: criteria provided, single submitter. Criteria: ACMG Guidelines, 2015. Collection method: clinical testing. Allele origin: germline. Affected: no.

Athena Diagnostics
Classification: Benign. Last evaluated: 2017-11-03. Review status: criteria provided, single submitter. Criteria: Athena Diagnostics Criteria. Collection method: clinical testing. Allele origin: germline.

Ambry Genetics
Classification: Benign for Inborn genetic diseases. Last evaluated: 2016-05-06. Review status: criteria provided, single submitter. Criteria: Ambry Variant Classification Scheme 2023. Collection method: clinical testing. Allele origin: germline.

GeneDx
Classification: Benign. Last evaluated: 2016-03-25. Review status: criteria provided, single submitter. Criteria: GeneDx Variant Classification (06012015). Collection method: clinical testing. Allele origin: germline. Affected: yes.
Comment: This variant is considered likely benign or benign based on one or more of the following criteria: it is a conservative change, it occurs at a poorly conserved position in the protein, it is predicted to be benign by multiple in silico algorithms, and/or has population frequency not consistent with disease.

Breakthrough Genomics
Classification: Benign. Review status: criteria provided, single submitter. Criteria: ACMG Guidelines, 2015. Collection method: not provided. Allele origin: germline. Inheritance: Autosomal dominant inheritance. Affected: yes.